The following is an entry in ClinVar:

NM_000379.4(XDH):c.3585+6G>C

Gene: XDH (xanthine dehydrogenase; minus strand). Cytogenetic location: 2p23.1.
Variant type: single nucleotide variant.
Coding change: c.3585+6G>C on transcript NM_000379.4 (MANE Select); 6 bases into the intron after coding-DNA position 3585, G replaced by C.
Molecular consequence: intron variant.
Genome position (GRCh38, 1-based): chr2:31,341,323, C>G on the plus strand (G>C on the coding strand, the complement: XDH is on the minus strand). VCF-style: chr2-31341323-C-G. GRCh37 (hg19) VCF-style: chr2-31564189-C-G.
Identifiers: ClinVar variation 2060751 (VCV002060751.3), dbSNP rs369248960, ClinGen allele CA1598348.

ClinVar aggregate classification (germline): Uncertain significance (1 of 4 stars; one submission).

Conditions:
Xanthinuria type II. Also called: Xanthine dehydrogenase and aldehyde oxidase combined deficiency of; XDH and AOX dual deficiency. Identifiers: Orphanet 3467, Orphanet 93602, MedGen C1863688, MONDO:0011346, OMIM 603592.

Allele frequency attached by ClinVar (database versions not stated): ExAC 0.00004; ESP Exome Variant Server 0.00008.
gnomAD v4.1: 40 of 1,566,932 alleles (0.0026%); highest among the groups gnomAD compares: Non-Finnish European, 0.0033%; no homozygotes.

Submission:

Labcorp Genetics (formerly Invitae), Labcorp
Classification: Uncertain significance for Xanthinuria type II. Last evaluated: 2025-03-31. Review status: criteria provided, single submitter. Criteria: Invitae Variant Classification Sherloc (09022015). Collection method: clinical testing. Allele origin: germline.
Comment: This sequence change falls in intron 33 of the XDH gene. It does not directly change the encoded amino acid sequence of the XDH protein. It affects a nucleotide within the consensus splice site. This variant is present in population databases (rs369248960, gnomAD 0.004%). This variant has not been reported in the literature in individuals affected with XDH-related conditions. ClinVar contains an entry for this variant (Variation ID: 2060751). Variants that disrupt the consensus splice site are a relatively common cause of aberrant splicing (PMID: 17576681, 9536098). Algorithms developed to predict the effect of sequence changes on RNA splicing suggest that this variant is not likely to affect RNA splicing. In summary, the available evidence is currently insufficient to determine the role of this variant in disease. Therefore, it has been classified as a Variant of Uncertain Significance.

Literature cited by the submitters: PubMed 17576681; PubMed 9536098.